The following is an entry in ClinVar:

NM_194302.4(CFAP65):c.5718G>A (p.Leu1906=)

Genes: CFAP65 (cilia and flagella associated protein 65; minus strand), CFAP65-AS1 (CFAP65 antisense RNA 1; plus strand). Cytogenetic location: 2q35.
Variant type: single nucleotide variant.
Coding change: c.5718G>A on transcript NM_194302.4 (MANE Select); coding-DNA position 5718, G replaced by A.
Protein change: p.Leu1906=; no amino-acid change (leucine 1906 retained).
Molecular consequence: synonymous variant.
Genome position (GRCh38, 1-based): chr2:219,002,997, C>T on the plus strand (G>A on the coding strand, the complement: CFAP65 is on the minus strand). VCF-style: chr2-219002997-C-T. GRCh37 (hg19) VCF-style: chr2-219867719-C-T.
Identifiers: ClinVar variation 780365 (VCV000780365.29), dbSNP rs73089092, ClinGen allele CA2114602.

ClinVar aggregate classification (germline): Benign/Likely benign. Review status: criteria provided, multiple submitters, no conflicts (2 of 4 stars). 4 submissions from 4 submitters: Benign (3); Likely benign (1). Last evaluated 2024-09-18.

Allele frequency attached by ClinVar (database versions not stated): gnomAD exomes 0.00037 and 0.00102; ExAC 0.00239; ESP Exome Variant Server 0.00317; gnomAD 0.00377 and 0.00397; TOPMed 0.00419; 1000 Genomes Project 0.00519; 1000 Genomes Project 30x 0.00547.
gnomAD v4.1: 1,137 of 1,561,940 alleles (0.073%); highest among the groups gnomAD compares: African/African-American, 1.2%; 10 homozygotes.

Submissions (4):

Blueprint Genetics
Classification: Likely benign. Last evaluated: 2024-09-18. Review status: criteria provided, single submitter. Criteria: ACMG Guidelines, 2015. Collection method: clinical testing. Allele origin: germline.

CeGaT Center for Human Genetics Tuebingen
Classification: Benign. Last evaluated: 2022-03-01. Review status: criteria provided, single submitter. Criteria: CeGaT Center For Human Genetics Tuebingen Variant Classification Criteria Version 2. Collection method: clinical testing. Allele origin: germline. Affected: yes. Observed: 1 variant allele.
Comment: CFAP65: BP4, BP7, BS1, BS2

Labcorp Genetics (formerly Invitae), Labcorp
Classification: Benign. Last evaluated: 2017-08-15. Review status: criteria provided, single submitter. Criteria: Invitae Variant Classification Sherloc (09022015). Collection method: clinical testing. Allele origin: germline.

Breakthrough Genomics
Classification: Benign. Review status: criteria provided, single submitter. Criteria: ACMG Guidelines, 2015. Collection method: not provided. Allele origin: germline. Inheritance: Autosomal recessive inheritance. Affected: yes.